The following is an entry in ClinVar:

NM_000130.5(F5):c.6164G>A (p.Arg2055Gln)

Gene: F5 (coagulation factor V; minus strand). Cytogenetic location: 1q24.2.
Variant type: single nucleotide variant.
Coding change: c.6164G>A on transcript NM_000130.5 (MANE Select); coding-DNA position 6164, G replaced by A.
Protein change: p.Arg2055Gln; replaces arginine 2055 with glutamine.
Molecular consequence: missense variant.
Genome position (GRCh38, 1-based): chr1:169,520,549, C>T on the plus strand (G>A on the coding strand, the complement: F5 is on the minus strand). VCF-style: chr1-169520549-C-T. GRCh37 (hg19) VCF-style: chr1-169489787-C-T.
Other names: short protein forms R2055Q.
Identifiers: ClinVar variation 293576 (VCV000293576.8), dbSNP rs886045542, ClinGen allele CA10608703.

ClinVar aggregate classification (germline): Uncertain significance. Review status: criteria provided, multiple submitters, no conflicts (2 of 4 stars). 4 submissions from 2 submitters: Uncertain significance (4). Last evaluated 2024-11-21.

Conditions:
Thrombophilia due to thrombin defect (THPH1). Also called: Thrombosis susceptibility; THROMBOPHILIA DUE TO FACTOR 2 DEFECT; Prothrombin-Related Thrombophilia (Factor II); Prothrombin Thrombophilia. Identifiers: MedGen C3160733, MONDO:0008559, OMIM 188050. Disease mechanism: gain of function, loss of function.
Congenital factor V deficiency. Also called: Hereditary factor V deficiency disease; LABILE FACTOR DEFICIENCY; PARAHEMOPHILIA; OWREN PARAHEMOPHILIA. Identifiers: Orphanet 326, MedGen C0015499, MONDO:0009210, OMIM 227400.
Budd-Chiari syndrome (BDCHS). Also called: Hepatic vein obstruction. Identifiers: Orphanet 131, MedGen C0856761, MONDO:0010947, OMIM 600880, HP:0002639.
Factor V deficiency. Also called: Reduced coagulation factor V activity. Identifiers: Orphanet 326, MedGen C4317320, MONDO:0020586, HP:0003225.

Allele frequency attached by ClinVar (database versions not stated): gnomAD 0.00001; TOPMed 0.00003.

Submissions (4):

Labcorp Genetics (formerly Invitae), Labcorp
Classification: Uncertain significance for Congenital factor V deficiency. Last evaluated: 2024-11-21. Review status: criteria provided, single submitter. Criteria: Invitae Variant Classification Sherloc (09022015). Collection method: clinical testing. Allele origin: germline.
Comment: This sequence change replaces arginine, which is basic and polar, with glutamine, which is neutral and polar, at codon 2055 of the F5 protein (p.Arg2055Gln). This variant is not present in population databases (gnomAD no frequency). This variant has not been reported in the literature in individuals affected with F5-related conditions. ClinVar contains an entry for this variant (Variation ID: 293576). Invitae Evidence Modeling of protein sequence and biophysical properties (such as structural, functional, and spatial information, amino acid conservation, physicochemical variation, residue mobility, and thermodynamic stability) indicates that this missense variant is expected to disrupt F5 protein function with a positive predictive value of 95%. In summary, the available evidence is currently insufficient to determine the role of this variant in disease. Therefore, it has been classified as a Variant of Uncertain Significance.

Illumina Laboratory Services, Illumina
Classification: Uncertain significance for Congenital factor V deficiency. Last evaluated: 2018-01-12. Review status: criteria provided, single submitter. Criteria: ICSL Variant Classification Criteria 13 December 2019. Collection method: clinical testing. Allele origin: germline.

Illumina Laboratory Services, Illumina
Classification: Uncertain significance for Budd-Chiari syndrome. Last evaluated: 2018-01-12. Review status: criteria provided, single submitter. Criteria: ICSL Variant Classification Criteria 13 December 2019. Collection method: clinical testing. Allele origin: germline.

Illumina Laboratory Services, Illumina
Classification: Uncertain significance for Venous thrombosis. Last evaluated: 2018-01-12. Review status: criteria provided, single submitter. Criteria: ICSL Variant Classification Criteria 13 December 2019. Collection method: clinical testing. Allele origin: germline.